The following is an entry in ClinVar:

ClinVar aggregate classification (germline): Uncertain significance (1 of 4 stars; one submission).

gnomAD v4.1: 14 of 1,587,862 alleles (0.00088%); highest among the groups gnomAD compares: Middle Eastern, 0.017%; no homozygotes.

Submission:

GeneDx
Classification: Uncertain significance. Last evaluated: 2025-03-06. Review status: criteria provided, single submitter. Criteria: GeneDx Variant Classification Process June 2021. Collection method: clinical testing. Allele origin: germline. Affected: yes.
Comment: In silico analysis supports that this missense variant has a deleterious effect on protein structure/function; Has not been previously published as pathogenic or benign to our knowledge

NM_001371623.1(TCOF1):c.4111G>A (p.Gly1371Arg)

Gene: TCOF1 (treacle ribosome biogenesis factor 1; plus strand). Cytogenetic location: 5q32.
Variant type: single nucleotide variant.
Coding change: c.4111G>A on transcript NM_001371623.1 (MANE Select); coding-DNA position 4111, G replaced by A.
Protein change: p.Gly1371Arg; replaces glycine 1371 with arginine.
Molecular consequence: missense variant.
Genome position (GRCh38, 1-based): chr5:150,396,608, G>A. VCF-style: chr5-150396608-G-A. GRCh37 (hg19) VCF-style: chr5-149776171-G-A.
Other names: c.3997G>A, p.Gly1333Arg (NM_001135244.2); c.3880G>A, p.Gly1294Arg (NM_001135245.2); c.3994G>A, p.Gly1332Arg (NM_001195141.2); c.3877G>A, p.Gly1293Arg (NM_001437406.1, NM_000356.4); c.4108G>A, p.Gly1370Arg (NM_001135243.2); short protein forms G1293R, G1294R, G1332R, G1333R, G1370R, G1371R.
Identifiers: ClinVar variation 4082657 (VCV004082657.1).